The following is an entry in ClinVar:

ClinVar aggregate classification (germline): Pathogenic (1 of 4 stars; one submission).

Conditions:
Spinocerebellar ataxia type 19/22 (SCA19). Also called: SPINOCEREBELLAR ATAXIA 22; SPINOCEREBELLAR ATAXIA 19. Identifiers: Orphanet 98772, MedGen C1846367, MONDO:0011819, OMIM 607346.

Submission:

Taipei Veterans General Hospital, Neurological Institute
Classification: Pathogenic for Spinocerebellar ataxia type 19/22. Last evaluated: 2019-04-20. Review status: criteria provided, single submitter. Criteria: ACMG Guidelines, 2015. Collection method: clinical testing, in vitro. Allele origin: de novo. Inheritance: Autosomal dominant inheritance. Affected: yes. Observed: 1 variant allele. Segregation with disease observed.
Comment: SCA19/22-associated mutation

dominant-negtaive effect on biosynthesis and biophysical properties of wild-type protein

NM_001378969.1(KCND3):c.950G>A (p.Cys317Tyr)

Gene: KCND3 (potassium voltage-gated channel subfamily D member 3; minus strand). Cytogenetic location: 1p13.2.
Variant type: single nucleotide variant.
Coding change: c.950G>A on transcript NM_001378969.1 (MANE Select); coding-DNA position 950, G replaced by A.
Protein change: p.Cys317Tyr; replaces cysteine 317 with tyrosine.
Molecular consequence: missense variant.
Genome position (GRCh38, 1-based): chr1:111,981,777, C>T on the plus strand (G>A on the coding strand, the complement: KCND3 is on the minus strand). VCF-style: chr1-111981777-C-T. GRCh37 (hg19) VCF-style: chr1-112524399-C-T.
Other names: c.950G>A, p.Cys317Tyr (NM_001378970.1, NM_004980.5, NM_172198.3); short protein forms C317Y.
Identifiers: ClinVar variation 626316 (VCV000626316.2), dbSNP rs1571939905, ClinGen allele CA341821002.